The following is an entry in ClinVar:

ClinVar aggregate classification (germline): Uncertain significance. Review status: criteria provided, multiple submitters, no conflicts (2 of 4 stars). 2 submissions from 2 submitters: Uncertain significance (2). Last evaluated 2026-09-11.

Conditions:
Inborn genetic diseases. Identifiers: MedGen C0950123, MeSH D030342.

gnomAD v4.1: 6 of 1,614,086 alleles (0.00037%); highest among the groups gnomAD compares: South Asian, 0.0011%; no homozygotes.

Submissions (2):

Ambry Genetics
Classification: Uncertain significance for Inborn genetic diseases. Last evaluated: 2026-09-11. Review status: criteria provided, single submitter. Criteria: Ambry Variant Classification Scheme 2023. Collection method: clinical testing. Allele origin: germline.
Comment: The p.D1131G variant (also known as c.3392A>G), located in coding exon 14 of the FANCM gene, results from an A to G substitution at nucleotide position 3392. The aspartic acid at codon 1131 is replaced by glycine, an amino acid with similar properties. This amino acid position is conserved. In addition, this alteration is predicted to be tolerated by in silico analysis. Based on the available evidence, the clinical significance of this variant remains unclear.

Dasa
Classification: Uncertain significance. Last evaluated: 2025-05-06. Review status: criteria provided, single submitter. Criteria: DASA Assertion Criteria. Collection method: clinical testing. Allele origin: germline.
Comment: NM_020937.4(FANCM):c.3392A>G (p.Asp1131Gly) is a missense variant that results in the substitution of aspartic acid with glycine. This variant is rare in population databases. Computational prediction algorithms are consistent with a benign effect. The currently available literature and clinical evidence are not sufficient to establish a definitive association between this variant and the reported condition. Therefore, this variant is classified as a variant of uncertain significance.

NM_020937.4(FANCM):c.3392A>G (p.Asp1131Gly)

Gene: FANCM (FA complementation group M; plus strand). Cytogenetic location: 14q21.2.
Variant type: single nucleotide variant.
Coding change: c.3392A>G on transcript NM_020937.4 (MANE Select); coding-DNA position 3392, A replaced by G.
Protein change: p.Asp1131Gly; replaces aspartic acid 1131 with glycine.
Molecular consequence: missense variant.
Genome position (GRCh38, 1-based): chr14:45,176,146, A>G. VCF-style: chr14-45176146-A-G. GRCh37 (hg19) VCF-style: chr14-45645349-A-G.
Other names: c.3314A>G, p.Asp1105Gly (NM_001308133.2); short protein forms D1105G, D1131G.
Identifiers: ClinVar variation 4883012 (VCV004883012.3).
Genomic context (GRCh38, chr14:45,176,146, plus strand): 5'-TTGGAGAGAACAATCATGATGTTGATAACAGTGACCTCCCAGTATTGTCCACTGATCAAG[A>G]TGAAAGTTTGCTGTTATTTGAAGATGTTAATACAGAGTTCGACGATGTGAGTCTTTCACC-3'
Protein context (NP_065988.1, residues 1121-1141): SDLPVLSTDQ[Asp1131Gly]ESLLLFEDVN